The following is an entry in ClinVar:

NM_014846.4(WASHC5):c.979-20C>T

Gene: WASHC5 (WASH complex subunit 5; minus strand). Cytogenetic location: 8q24.13.
Variant type: single nucleotide variant.
Coding change: c.979-20C>T on transcript NM_014846.4 (MANE Select); 20 bases into the intron before coding-DNA position 979, C replaced by T.
Molecular consequence: intron variant.
Genome position (GRCh38, 1-based): chr8:125,073,344, G>A on the plus strand (C>T on the coding strand, the complement: WASHC5 is on the minus strand). VCF-style: chr8-125073344-G-A. GRCh37 (hg19) VCF-style: chr8-126085586-G-A.
Other names: c.535-20C>T (NM_001330609.2).
Identifiers: ClinVar variation 380826 (VCV000380826.16), dbSNP rs12546285, ClinGen allele CA4873962.

ClinVar aggregate classification (germline): Benign. Review status: criteria provided, multiple submitters, no conflicts (2 of 4 stars). 6 submissions from 6 submitters: Benign (4). 2 of the submissions do not count toward it. Last evaluated 2026-02-02.

Conditions:
Ritscher-Schinzel syndrome. Also called: CRANIOCEREBELLOCARDIAC DYSPLASIA. Identifiers: Orphanet 7, MedGen C0796137, MONDO:0019078.
Hereditary spastic paraplegia 8 (SPG8). Also called: SPASTIC PARAPLEGIA 8, AUTOSOMAL DOMINANT. Identifiers: Orphanet 100989, MedGen C1863704, MONDO:0011339, OMIM 603563.

Allele frequency attached by ClinVar (database versions not stated): ESP Exome Variant Server 0.16277; gnomAD 0.18463 and 0.19095; TOPMed 0.20412; gnomAD exomes 0.20553 and 0.24205; 1000 Genomes Project 30x 0.22267; 1000 Genomes Project 0.22544; ExAC 0.23301.
gnomAD v4.1: 326,432 of 1,598,120 alleles (20%); highest among the groups gnomAD compares: Admixed American, 42%; 36,703 homozygotes.

Submissions (6):

Labcorp Genetics (formerly Invitae), Labcorp
Classification: Benign for Ritscher-Schinzel syndrome; Hereditary spastic paraplegia 8. Last evaluated: 2026-02-02. Review status: criteria provided, single submitter. Criteria: Invitae Variant Classification Sherloc (09022015). Collection method: clinical testing. Allele origin: germline.

Blueprint Genetics
Classification: Benign. Last evaluated: 2024-11-27. Review status: criteria provided, single submitter. Criteria: ACMG Guidelines, 2015. Collection method: clinical testing. Allele origin: germline.

GeneDx
Classification: Benign. Last evaluated: 2016-02-08. Review status: criteria provided, single submitter. Criteria: GeneDx Variant Classification (06012015). Collection method: clinical testing. Allele origin: germline. Affected: yes.
Comment: This variant is considered likely benign or benign based on one or more of the following criteria: it is a conservative change, it occurs at a poorly conserved position in the protein, it is predicted to be benign by multiple in silico algorithms, and/or has population frequency not consistent with disease.

Breakthrough Genomics
Classification: Benign. Review status: criteria provided, single submitter. Criteria: ACMG Guidelines, 2015. Collection method: not provided. Allele origin: germline. Inheritance: Autosomal recessive inheritance. Affected: yes.

Diagnostic Laboratory, Department of Genetics, University Medical Center Groningen
Classification: Benign. Review status: no assertion criteria provided. Collection method: clinical testing. Allele origin: germline. Affected: yes. Study: VKGL Data-share Consensus. Not counted in ClinVar's aggregate classification.

Joint Genome Diagnostic Labs from Nijmegen and Maastricht, Radboudumc and MUMC+
Classification: Benign. Review status: no assertion criteria provided. Collection method: clinical testing. Allele origin: germline. Affected: yes. Study: VKGL Data-share Consensus. Not counted in ClinVar's aggregate classification.